The following is an entry in ClinVar:

NM_001130823.3(DNMT1):c.3394+34T>C

Gene: DNMT1 (DNA methyltransferase 1; minus strand). Cytogenetic location: 19p13.2.
Variant type: single nucleotide variant.
Coding change: c.3394+34T>C on transcript NM_001130823.3 (MANE Select); 34 bases into the intron after coding-DNA position 3394, T replaced by C.
Molecular consequence: intron variant.
Genome position (GRCh38, 1-based): chr19:10,141,071, A>G on the plus strand (T>C on the coding strand, the complement: DNMT1 is on the minus strand). VCF-style: chr19-10141071-A-G. GRCh37 (hg19) VCF-style: chr19-10251747-A-G.
Other names: c.3031+34T>C (NM_001318731.2); c.3346+34T>C (NM_001379.4, NM_001318730.2).
Identifiers: ClinVar variation 670504 (VCV000670504.5), dbSNP rs2290684, ClinGen allele CA9187764.
Genomic context (GRCh38, chr19:10,141,071, plus strand): 5'-AGTAACACCAGAGGTGGTTTTACACTGAGGGATTCACAGGCAGCCTCCAAGTTACAGAAG[A>G]ATAACTTGAAAAGAAACTCATACAATGACGTACCTTTTCCCTTGCCCTTCCCTTTGTTTC-3'

ClinVar aggregate classification (germline): Benign. Review status: criteria provided, multiple submitters, no conflicts (2 of 4 stars). 4 submissions from 3 submitters: Benign (4). Last evaluated 2021-07-30.

Conditions:
Autosomal dominant cerebellar ataxia, deafness and narcolepsy. Also called: Autosomal Dominant Cerebellar Ataxia, Deafness, and Narcolepsy (ADCA-DN). Identifiers: Orphanet 314404, MedGen C4302668, MONDO:0011397, OMIM 604121.
Hereditary sensory neuropathy-deafness-dementia syndrome. Also called: Hereditary Sensory and Autonomic Neuropathy Type 1E (HSAN1E); HSN IE; Hereditary sensory neuropathy type IE; NEUROPATHY, HEREDITARY SENSORY, WITH HEARING LOSS AND DEMENTIA. Identifiers: Orphanet 456318, MedGen C3279885, MONDO:0013584, OMIM 614116.

Allele frequency attached by ClinVar (database versions not stated): 1000 Genomes Project 0.47165; 1000 Genomes Project 30x 0.47673; gnomAD exomes 0.48294 and 0.49627; ExAC 0.48378; gnomAD 0.48960 and 0.49102; TOPMed 0.49462; ESP Exome Variant Server 0.50892.
gnomAD v4.1: 798,902 of 1,612,910 alleles (50%); highest among the groups gnomAD compares: Admixed American, 51%; 198,961 homozygotes.

Submissions (4):

Genome-Nilou Lab
Classification: Benign for Autosomal dominant cerebellar ataxia, deafness and narcolepsy. Last evaluated: 2021-07-30. Review status: criteria provided, single submitter. Criteria: ACMG Guidelines, 2015. Collection method: clinical testing. Allele origin: germline. Affected: no.

Genome-Nilou Lab
Classification: Benign for Hereditary sensory neuropathy-deafness-dementia syndrome. Last evaluated: 2021-07-30. Review status: criteria provided, single submitter. Criteria: ACMG Guidelines, 2015. Collection method: clinical testing. Allele origin: germline. Affected: no.

GeneDx
Classification: Benign. Last evaluated: 2018-06-14. Review status: criteria provided, single submitter. Criteria: GeneDx Variant Classification (06012015). Collection method: clinical testing. Allele origin: germline. Affected: yes.
Comment: This variant is considered likely benign or benign based on one or more of the following criteria: it is a conservative change, it occurs at a poorly conserved position in the protein, it is predicted to be benign by multiple in silico algorithms, and/or has population frequency not consistent with disease.

Breakthrough Genomics
Classification: Benign. Review status: criteria provided, single submitter. Criteria: ACMG Guidelines, 2015. Collection method: not provided. Allele origin: germline. Inheritance: Autosomal dominant inheritance. Affected: yes.